The following is an entry in ClinVar:

NM_177438.3(DICER1):c.1814dup (p.Met605fs)

Gene: DICER1 (dicer 1, ribonuclease III; minus strand). Cytogenetic location: 14q32.13.
Variant type: Duplication.
Coding change: c.1814dup on transcript NM_177438.3 (MANE Select); coding-DNA position 1814, one base duplicated (T; older notation c.1814dupT).
Protein change: p.Met605fs; shifts the reading frame from methionine 605.
Molecular consequence: frameshift variant. On other transcripts: non-coding transcript variant (6).
Genome position (GRCh38, 1-based): chr14:95,115,760, A duplicated on the plus strand (T on the coding strand, the reverse complement: DICER1 is on the minus strand). VCF-style (leftmost placement, unchanged base first): chr14-95115759-C-CA. GRCh37 (hg19) VCF-style: chr14-95582096-C-CA.
Other names: c.1814dup, p.Met605fs (NM_001195573.1, NM_001271282.3, NM_001291628.2 and 12 more transcripts); c.1532dup, p.Met511fs (NM_001395686.1); c.1409dup, p.Met470fs (NM_001395687.1, NM_001395688.1, NM_001395689.1 and 3 more transcripts); c.1247dup, p.Met416fs (NM_001395691.1); c.131dup, p.Met44fs (NM_001395697.1); short protein forms M511fs, M605fs, M416fs, M470fs, M44fs.
Identifiers: ClinVar variation 3723261 (VCV003723261.2).
Genomic context (GRCh38, chr14:95,115,759, plus strand): 5'-GACTCGTGGACCACCATCGTCAGGCCTCAACACATATGGTGGGAAAACGTCATCATCATC[C>CA]ATGACAGGATCAATGTCAGTCTCACCAGTATCAACCGACTTGGAACACTTGTTTCTCAAG-3'

ClinVar aggregate classification (germline): Pathogenic (1 of 4 stars; one submission).

Conditions:
DICER1-related tumor predisposition. Also called: DICER1 syndrome; DICER1-related pleuropulmonary blastoma cancer predisposition syndrome. Identifiers: Orphanet 284343, MedGen C3839822, MONDO:0100216.

Submission:

Labcorp Genetics (formerly Invitae), Labcorp
Classification: Pathogenic for DICER1-related tumor predisposition. Last evaluated: 2024-11-23. Review status: criteria provided, single submitter. Criteria: Invitae Variant Classification Sherloc (09022015). Collection method: clinical testing. Allele origin: germline.
Comment: This sequence change creates a premature translational stop signal (p.Met605Ilefs*3) in the DICER1 gene. It is expected to result in an absent or disrupted protein product. Loss-of-function variants in DICER1 are known to be pathogenic (PMID: 19556464, 21266384). This variant is not present in population databases (gnomAD no frequency). This variant has not been reported in the literature in individuals affected with DICER1-related conditions. For these reasons, this variant has been classified as Pathogenic.

Literature cited by the submitters: PubMed 19556464; PubMed 21266384.